The following is an entry in ClinVar:

NM_001303052.2(MYT1L):c.3374_3380dup (p.Leu1128fs)

Gene: MYT1L (myelin transcription factor 1 like; minus strand). Cytogenetic location: 2p25.3.
Variant type: Duplication.
Coding change: c.3374_3380dup on transcript NM_001303052.2 (MANE Select); coding-DNA positions 3374 to 3380, 7 bases duplicated (GCCAGTC; older notation c.3374_3380dupGCCAGTC).
Protein change: p.Leu1128fs; shifts the reading frame from leucine 1128.
Molecular consequence: frameshift variant.
Genome position (GRCh38, 1-based): chr2:1,792,361-1,792,367, GACTGGC duplicated on the plus strand (GCCAGTC on the coding strand, the reverse complement: MYT1L is on the minus strand). VCF-style (leftmost placement, unchanged base first): chr2-1792360-A-AGACTGGC. GRCh37 (hg19) VCF-style: chr2-1796132-A-AGACTGGC.
Other names: c.3374_3380dup, p.Leu1128fs (NM_001329844.2, NM_001329845.1, NM_001329849.3 and 2 more transcripts); c.3368_3374dup, p.Leu1126fs (NM_001329846.3, NM_001329847.2, NM_001329848.1 and 1 more transcripts); short protein forms L1126fs, L1128fs.
Identifiers: ClinVar variation 4537751 (VCV004537751.1).

ClinVar aggregate classification (germline): Uncertain significance (1 of 4 stars; one submission).

Submission:

GeneDx
Classification: Uncertain significance. Last evaluated: 2025-06-11. Review status: criteria provided, single submitter. Criteria: GeneDx Variant Classification Process June 2021. Collection method: clinical testing. Allele origin: germline. Affected: yes.
Comment: Not observed at significant frequency in large population cohorts (gnomAD); Frameshift variant predicted to result in abnormal protein length as the last 59 amino acid(s) are replaced with 8 different amino acid(s); Has not been previously published as pathogenic or benign to our knowledge